The following is an entry in ClinVar:

ClinVar aggregate classification (germline): Conflicting classifications of pathogenicity. Review status: criteria provided, conflicting classifications (1 of 4 stars). 5 submissions from 5 submitters: Uncertain significance (1); Likely benign (3). 1 of the submissions does not count toward it. Last evaluated 2026-01-14.

Conditions:
Inborn genetic diseases. Identifiers: MedGen C0950123, MeSH D030342.
DHCR7-related disorder. Also called: DHCR7-related condition.
Smith-Lemli-Opitz syndrome (SLOS). Also called: 7-Dehydrocholesterol reductase deficiency; LETHAL ACRODYSGENITAL SYNDROME; POLYDACTYLY, SEX REVERSAL, RENAL HYPOPLASIA, AND UNILOBAR LUNG; RSH SYNDROME; RUTLEDGE LETHAL MULTIPLE CONGENITAL ANOMALY SYNDROME. Identifiers: Orphanet 818, MedGen C0175694, MONDO:0010035, OMIM 270400.

Allele frequency attached by ClinVar (database versions not stated): TOPMed 0.00002; gnomAD 0.00003; ExAC 0.00006; gnomAD exomes 0.00006; 1000 Genomes Project 0.00020; 1000 Genomes Project 30x 0.00031.
gnomAD v4.1: 40 of 1,612,608 alleles (0.0025%); highest among the groups gnomAD compares: South Asian, 0.026%; 1 homozygote.

Submissions (5):

Labcorp Genetics (formerly Invitae), Labcorp
Classification: Likely benign for Smith-Lemli-Opitz syndrome. Last evaluated: 2026-01-14. Review status: criteria provided, single submitter. Criteria: Invitae Variant Classification Sherloc (09022015). Collection method: clinical testing. Allele origin: germline.

PreventionGenetics, part of Exact Sciences
Classification: Likely benign for DHCR7-related condition. Last evaluated: 2025-04-22. Review status: criteria provided, single submitter. Criteria: ACMG Guidelines, 2015. Collection method: clinical testing. Allele origin: germline.
Comment: This variant is classified as likely benign based on ACMG/AMP sequence variant interpretation guidelines (Richards et al. 2015 PMID: 25741868, with internal and published modifications).

Ambry Genetics
Classification: Likely benign for Inborn genetic diseases. Last evaluated: 2023-04-22. Review status: criteria provided, single submitter. Criteria: Ambry Variant Classification Scheme 2023. Collection method: clinical testing. Allele origin: germline.

Illumina Laboratory Services, Illumina
Classification: Uncertain significance for Smith-Lemli-Opitz syndrome. Last evaluated: 2018-01-13. Review status: criteria provided, single submitter. Criteria: ICSL Variant Classification Criteria 13 December 2019. Collection method: clinical testing. Allele origin: germline.

Natera, Inc.
Classification: Likely benign for Smith-Lemli-Opitz syndrome. Last evaluated: 2019-01-08. Review status: no assertion criteria provided. Collection method: clinical testing. Allele origin: germline. Not counted in ClinVar's aggregate classification.

NM_001360.3(DHCR7):c.1389C>T (p.Thr463=)

Gene: DHCR7 (7-dehydrocholesterol reductase; minus strand). Cytogenetic location: 11q13.4.
Variant type: single nucleotide variant.
Coding change: c.1389C>T on transcript NM_001360.3 (MANE Select); coding-DNA position 1389, C replaced by T.
Protein change: p.Thr463=; no amino-acid change (threonine 463 retained).
Molecular consequence: synonymous variant.
Genome position (GRCh38, 1-based): chr11:71,435,414, G>A on the plus strand (C>T on the coding strand, the complement: DHCR7 is on the minus strand). VCF-style: chr11-71435414-G-A. GRCh37 (hg19) VCF-style: chr11-71146460-G-A.
Other names: c.1389C>T, p.Thr463= (NM_001163817.2).
Identifiers: ClinVar variation 305951 (VCV000305951.20), dbSNP rs200477386, ClinGen allele CA6162241.